The following is an entry in ClinVar:

ClinVar aggregate classification (germline): Uncertain significance (1 of 4 stars; one submission).

Conditions:
Hereditary cancer-predisposing syndrome. Also called: Hereditary Cancer Syndrome; Hereditary neoplastic syndrome; Tumor predisposition; Neoplastic Syndromes, Hereditary. Identifiers: Orphanet 140162, MedGen C0027672, MeSH D009386, MONDO:0015356.

Allele frequency attached by ClinVar (database versions not stated): TOPMed below 0.00001; gnomAD 0.00001.
gnomAD v4.1: 1 of 1,613,964 alleles (0.000062%); highest among the groups gnomAD compares: Non-Finnish European, 0.000085%; no homozygotes.

Submission:

Ambry Genetics
Classification: Uncertain significance for Hereditary cancer-predisposing syndrome. Last evaluated: 2022-04-08. Review status: criteria provided, single submitter. Criteria: Ambry Variant Classification Scheme 2023. Collection method: clinical testing. Allele origin: germline.
Comment: The p.V775L variant (also known as c.2323G>C), located in coding exon 13 of the ALK gene, results from a G to C substitution at nucleotide position 2323. The valine at codon 775 is replaced by leucine, an amino acid with highly similar properties. This amino acid position is conserved. In addition, the in silico prediction for this alteration is inconclusive. Since supporting evidence is limited at this time, the clinical significance of this alteration remains unclear.

NM_004304.5(ALK):c.2323G>C (p.Val775Leu)

Gene: ALK (ALK receptor tyrosine kinase; minus strand). Cytogenetic location: 2p23.2.
Variant type: single nucleotide variant.
Coding change: c.2323G>C on transcript NM_004304.5 (MANE Select); coding-DNA position 2323, G replaced by C.
Protein change: p.Val775Leu; replaces valine 775 with leucine.
Molecular consequence: missense variant.
Genome position (GRCh38, 1-based): chr2:29,239,712, C>G on the plus strand (G>C on the coding strand, the complement: ALK is on the minus strand). VCF-style: chr2-29239712-C-G. GRCh37 (hg19) VCF-style: chr2-29462578-C-G.
Other names: short protein forms V775L.
Identifiers: ClinVar variation 1789613 (VCV001789613.2), dbSNP rs1664472929, ClinGen allele CA346474304.